The following is an entry in ClinVar:

ClinVar aggregate classification (germline): Uncertain significance. Review status: criteria provided, multiple submitters, no conflicts (2 of 4 stars). 2 submissions from 2 submitters: Uncertain significance (2). Last evaluated 2024-09-27.

Conditions:
Congenital contractural arachnodactyly (CCA). Also called: Beals-Hecht syndrome; BEALS SYNDROME; Arthrogryposis, distal, type 9. Identifiers: Orphanet 115, MedGen C0220668, MONDO:0007363, OMIM 121050.

Allele frequency attached by ClinVar (database versions not stated): gnomAD exomes below 0.00001; TOPMed below 0.00001; gnomAD 0.00001.

Submissions (2):

Labcorp Genetics (formerly Invitae), Labcorp
Classification: Uncertain significance for Congenital contractural arachnodactyly. Last evaluated: 2024-09-27. Review status: criteria provided, single submitter. Criteria: Invitae Variant Classification Sherloc (09022015). Collection method: clinical testing. Allele origin: germline.
Comment: This sequence change replaces arginine, which is basic and polar, with cysteine, which is neutral and slightly polar, at codon 2100 of the FBN2 protein (p.Arg2100Cys). This variant is present in population databases (no rsID available, gnomAD 0.002%). This variant has not been reported in the literature in individuals affected with FBN2-related conditions. ClinVar contains an entry for this variant (Variation ID: 528424). Invitae Evidence Modeling of protein sequence and biophysical properties (such as structural, functional, and spatial information, amino acid conservation, physicochemical variation, residue mobility, and thermodynamic stability) indicates that this missense variant is expected to disrupt FBN2 protein function with a positive predictive value of 80%. In summary, the available evidence is currently insufficient to determine the role of this variant in disease. Therefore, it has been classified as a Variant of Uncertain Significance.

GeneDx
Classification: Uncertain significance. Last evaluated: 2021-04-27. Review status: criteria provided, single submitter. Criteria: GeneDx Variant Classification Process June 2021. Collection method: clinical testing. Allele origin: germline. Affected: yes.
Comment: Has not been previously published as pathogenic or benign to our knowledge; Not observed at a significant frequency in large population cohorts (Lek et al., 2016); In silico analysis supports that this missense variant has a deleterious effect on protein structure/function; Does not affect a cysteine residue within a calcium-binding EGF-like domain of the FBN2 gene; cysteine substitutions in the calcium-binding EGF-like domains represent the majority of pathogenic missense changes associated with FBN2-related disorders (Frederic et al., 2009); Reported in ClinVar as a variant of uncertain significance (ClinVar Variant ID# 528424; Landrum et al., 2016)

NM_001999.4(FBN2):c.6298C>T (p.Arg2100Cys)

Gene: FBN2 (fibrillin 2; minus strand). Cytogenetic location: 5q23.3.
Variant type: single nucleotide variant.
Coding change: c.6298C>T on transcript NM_001999.4 (MANE Select); coding-DNA position 6298, C replaced by T.
Protein change: p.Arg2100Cys; replaces arginine 2100 with cysteine.
Molecular consequence: missense variant.
Genome position (GRCh38, 1-based): chr5:128,290,879, G>A on the plus strand (C>T on the coding strand, the complement: FBN2 is on the minus strand). VCF-style: chr5-128290879-G-A. GRCh37 (hg19) VCF-style: chr5-127626571-G-A.
Other names: short protein forms R2100C.
Identifiers: ClinVar variation 528424 (VCV000528424.10), dbSNP rs1425263303, ClinGen allele CA360764153.